The following is an entry in ClinVar:

NM_001369.3(DNAH5):c.13760A>G (p.Tyr4587Cys)

Gene: DNAH5 (dynein axonemal heavy chain 5; minus strand). Cytogenetic location: 5p15.2.
Variant type: single nucleotide variant.
Coding change: c.13760A>G on transcript NM_001369.3 (MANE Select); coding-DNA position 13760, A replaced by G.
Protein change: p.Tyr4587Cys; replaces tyrosine 4587 with cysteine.
Molecular consequence: missense variant.
Genome position (GRCh38, 1-based): chr5:13,692,099, T>C on the plus strand (A>G on the coding strand, the complement: DNAH5 is on the minus strand). VCF-style: chr5-13692099-T-C. GRCh37 (hg19) VCF-style: chr5-13692208-T-C.
Other names: short protein forms Y4587C.
Identifiers: ClinVar variation 454746 (VCV000454746.6), dbSNP rs1320036244, ClinGen allele CA359188713.

ClinVar aggregate classification (germline): Conflicting classifications of pathogenicity. Review status: criteria provided, conflicting classifications (1 of 4 stars). 3 submissions from 3 submitters: Likely pathogenic (1); Uncertain significance (1). 1 of the submissions does not count toward it. Last evaluated 2024-10-28.

Conditions:
Primary ciliary dyskinesia. Also called: Ciliary dyskinesia. Identifiers: Orphanet 244, MedGen C0008780, MONDO:0016575, HP:0012265.

Submissions (3):

Natera, Inc.
Classification: Likely pathogenic for Primary ciliary dyskinesia. Last evaluated: 2024-10-28. Review status: criteria provided, single submitter. Criteria: Natera Variant Classification Schema (03/2026). Collection method: clinical testing. Allele origin: germline.
Comment: The c.13760A>G variant in DNAH5 is a missense variant predicted to cause substitution of tyrosine to cysteine at amino acid 4587. This variant is rare in the general population with a frequency below the threshold expected for the associated phenotype(s). This variant has been observed in one or more individuals affected with the associated recessive disease, as either homozygous or compound heterozygous with a second variant (PMID: 30067075). This variant has been identified in one or more affected individual with a phenotype highly consistent with the associated gene (PMID: 30067075). Computational prediction algorithms indicate this variant is likely to affect gene or protein function. Given the available evidence, this variant is classified as Likely Pathogenic.

Labcorp Genetics (formerly Invitae), Labcorp
Classification: Uncertain significance for Primary ciliary dyskinesia. Last evaluated: 2021-08-31. Review status: criteria provided, single submitter. Criteria: Invitae Variant Classification Sherloc (09022015). Collection method: clinical testing. Allele origin: germline.

Yale Center for Mendelian Genomics, Yale University
Classification: Likely pathogenic for Primary ciliary dyskinesia. Last evaluated: 2018-08-01. Review status: no assertion criteria provided. Collection method: literature only. Allele origin: germline. Affected: yes. Observed: 1 compound heterozygote. Study: Yale Center for Mendelian Genomics. Not counted in ClinVar's aggregate classification.

Literature cited by the submitters: PubMed 30067075 (cited by Natera, Inc. and Yale Center for Mendelian Genomics, Yale University).